The following is an entry in ClinVar:

NM_000132.4(F8):c.*1001C>T

Gene: F8 (coagulation factor VIII; minus strand). Cytogenetic location: Xq28.
Variant type: single nucleotide variant.
Coding change: c.*1001C>T on transcript NM_000132.4 (MANE Select); 1001 bases downstream of the stop codon, C replaced by T.
Molecular consequence: 3 prime UTR variant.
Genome position (GRCh38, 1-based): chrX:154,836,596, G>A on the plus strand (C>T on the coding strand, the complement: F8 is on the minus strand). VCF-style: chrX-154836596-G-A. GRCh37 (hg19) VCF-style: chrX-154064871-G-A.
Other names: c.*1001C>T (NM_019863.3).
Identifiers: ClinVar variation 913205 (VCV000913205.4), dbSNP rs183289212, ClinGen allele CA337318966.

ClinVar aggregate classification (germline): Benign (1 of 4 stars; one submission).

Conditions:
Hereditary factor VIII deficiency disease (HEMA). Also called: AUTOSOMAL HEMOPHILIA A; Hemophilia A, congenital; HEM A; Factor 8 deficiency, congenital; HEMOPHILIA, CLASSIC; Hemophilia A. Identifiers: Orphanet 98878, MedGen C0019069, MONDO:0010602, OMIM 306700.

Allele frequency attached by ClinVar (database versions not stated): 1000 Genomes Project 30x 0.00042; 1000 Genomes Project 0.00053; gnomAD 0.00100 and 0.00107; TOPMed 0.00117.
gnomAD v4.1: 111 of 111,909 alleles (0.099%); highest among the groups gnomAD compares: African/African-American, 0.34%; no homozygotes.

Submission:

Illumina Laboratory Services, Illumina
Classification: Benign for Hereditary factor VIII deficiency disease. Last evaluated: 2018-01-13. Review status: criteria provided, single submitter. Criteria: ICSL Variant Classification Criteria 13 December 2019. Collection method: clinical testing. Allele origin: germline.
Comment: This variant was observed in the ICSL laboratory as part of a predisposition screen in an ostensibly healthy population. It had not been previously curated by ICSL or reported in the Human Gene Mutation Database (HGMD: prior to June 1st, 2018), and was therefore a candidate for classification through an automated scoring system. Utilizing variant allele frequency, disease prevalence and penetrance estimates, and inheritance mode, an automated score was calculated to assess if this variant is too frequent to cause the disease. Based on the score and internal cut-off values, a variant classified as benign is not then subjected to further curation. The score for this variant resulted in a classification of benign for this disease.